The following is an entry in ClinVar:

NM_000021.4(PSEN1):c.496C>T (p.Leu166Phe)

Gene: PSEN1 (presenilin 1; plus strand). Cytogenetic location: 14q24.2.
Variant type: single nucleotide variant.
Coding change: c.496C>T on transcript NM_000021.4 (MANE Select); coding-DNA position 496, C replaced by T.
Protein change: p.Leu166Phe; replaces leucine 166 with phenylalanine.
Molecular consequence: missense variant.
Genome position (GRCh38, 1-based): chr14:73,186,868, C>T. VCF-style: chr14-73186868-C-T. GRCh37 (hg19) VCF-style: chr14-73653576-C-T.
Other names: c.484C>T, p.Leu162Phe (NM_007318.3); short protein forms L162F, L166F.
Identifiers: ClinVar variation 1806961 (VCV001806961.1), dbSNP rs1555354564, ClinGen allele CA390295991.

ClinVar aggregate classification (germline): Likely pathogenic (1 of 4 stars; one submission).

Submission:

Athena Diagnostics
Classification: Likely pathogenic. Last evaluated: 2022-01-19. Review status: criteria provided, single submitter. Criteria: Athena Diagnostics Criteria. Collection method: clinical testing. Allele origin: unknown.
Comment: This variant has not been reported in large, multi-ethnic general populations. This variant has been identified in at least one individual tested at Athena Diagnostics with clinical features associated with this gene. Multiple missense variants at this codon, including at least one considered to be pathogenic or likely pathogenic, have been reported in individuals with clinical features associated with this gene, suggesting this variant may also cause disease. Computational tools predict that this variant is damaging.